The following is an entry in ClinVar:

ClinVar aggregate classification (germline): Uncertain significance (1 of 4 stars; one submission).

Conditions:
Hereditary cancer-predisposing syndrome. Also called: Hereditary Cancer Syndrome; Hereditary neoplastic syndrome; Neoplastic Syndromes, Hereditary; Tumor predisposition. Identifiers: Orphanet 140162, MedGen C0027672, MeSH D009386, MONDO:0015356.

Submission:

Ambry Genetics
Classification: Uncertain significance for Hereditary cancer-predisposing syndrome. Last evaluated: 2025-07-28. Review status: criteria provided, single submitter. Criteria: Ambry Variant Classification Scheme 2023. Collection method: clinical testing. Allele origin: germline.
Comment: The p.A1051P variant (also known as c.3151G>C), located in coding exon 19 of the ALK gene, results from a G to C substitution at nucleotide position 3151. The alanine at codon 1051 is replaced by proline, an amino acid with highly similar properties. This amino acid position is conserved. In addition, this alteration is predicted to be deleterious by in silico analysis. Based on the available evidence, the clinical significance of this variant remains unclear.

NM_004304.5(ALK):c.3151G>C (p.Ala1051Pro)

Gene: ALK (ALK receptor tyrosine kinase; minus strand). Cytogenetic location: 2p23.2.
Variant type: single nucleotide variant.
Coding change: c.3151G>C on transcript NM_004304.5 (MANE Select); coding-DNA position 3151, G replaced by C.
Protein change: p.Ala1051Pro; replaces alanine 1051 with proline.
Molecular consequence: missense variant.
Genome position (GRCh38, 1-based): chr2:29,225,482, C>G on the plus strand (G>C on the coding strand, the complement: ALK is on the minus strand). VCF-style: chr2-29225482-C-G. GRCh37 (hg19) VCF-style: chr2-29448348-C-G.
Other names: short protein forms A1051P.
Identifiers: ClinVar variation 4272668 (VCV004272668.1).